The following is an entry in ClinVar:

ClinVar aggregate classification (germline): Likely pathogenic (1 of 4 stars; one submission).

Conditions:
Posterior polymorphous corneal dystrophy 3 (PPCD3). Identifiers: Orphanet 98973, MedGen C1836724, MONDO:0012200, OMIM 609141.

Submission:

3billion
Classification: Likely pathogenic for Posterior polymorphous corneal dystrophy 3. Last evaluated: 2024-10-22. Review status: criteria provided, single submitter. Criteria: ACMG Guidelines, 2015. Collection method: clinical testing. Allele origin: germline. Affected: yes.
Comment: The variant is not observed in the gnomAD v4.1.0 dataset. Predicted Consequence/Location: Frameshift: predicted to result in a loss or disruption of normal protein function through nonsense-mediated decay (NMD) or protein truncation. Multiple pathogenic variants are reported downstream of the variant. Therefore, this variant is classified as Likely pathogenic according to the recommendation of ACMG/AMP guideline.

NM_001174096.2(ZEB1):c.1448del (p.Pro483fs)

Gene: ZEB1 (zinc finger E-box binding homeobox 1; plus strand). Cytogenetic location: 10p11.22.
Variant type: Deletion.
Coding change: c.1448del on transcript NM_001174096.2 (MANE Select); coding-DNA position 1448, one base deleted (C; older notation c.1448delC).
Protein change: p.Pro483fs; shifts the reading frame from proline 483.
Molecular consequence: frameshift variant.
Genome position (GRCh38, 1-based): chr10:31,520,780, C deleted; the last of 2 consecutive C bases (chr10:31,520,779-31,520,780); deleting either gives the same sequence. VCF-style (leftmost placement, unchanged base first): chr10-31520778-GC-G. GRCh37 (hg19) VCF-style: chr10-31809706-GC-G.
Other names: c.1397del, p.Pro466fs (NM_001128128.3); c.1385del, p.Pro462fs (NM_001174093.2); c.1394del, p.Pro465fs (NM_001174094.2); c.1244del, p.Pro415fs (NM_001174095.2); c.791del, p.Pro264fs (NM_001323638.2, NM_001323641.2, NM_001323642.2 and 27 more transcripts); c.1223del, p.Pro408fs (NM_001323674.2); c.1181del, p.Pro394fs (NM_001323675.2); c.1406del, p.Pro469fs (NM_001323676.2); and 3 more; short protein forms P264fs, P391fs, P394fs, P408fs, P415fs, P462fs, P465fs, P466fs.
Identifiers: ClinVar variation 4292343 (VCV004292343.1).
Genomic context (GRCh38, chr10:31,520,778, plus strand): 5'-TCTTCCTTTGGTTGATCAAGATGGAACAACCAAAATTATCATCAACTACAGTCTTGAGCA[GC>G]CTAGCCAACTTCAAGTTGTTCCTCAAAATTTAAAAAAAGAAAATCCAGTCGCTACAAACA-3'